The following is an entry in ClinVar:

ClinVar aggregate classification (germline): Uncertain significance. Review status: criteria provided, multiple submitters, no conflicts (2 of 4 stars). 2 submissions from 2 submitters: Uncertain significance (2). Last evaluated 2024-01-24.

Conditions:
Inborn genetic diseases. Identifiers: MedGen C0950123, MeSH D030342.

Allele frequency attached by ClinVar (database versions not stated): gnomAD exomes below 0.00001; ExAC 0.00001; gnomAD 0.00005 and 0.00006; TOPMed 0.00005; ESP Exome Variant Server 0.00008.
gnomAD v4.1: 14 of 1,613,852 alleles (0.00087%); highest among the groups gnomAD compares: African/African-American, 0.013%; no homozygotes.

Submissions (2):

Ambry Genetics
Classification: Uncertain significance for Inborn genetic diseases. Last evaluated: 2024-01-24. Review status: criteria provided, single submitter. Criteria: Ambry Variant Classification Scheme 2023. Collection method: clinical testing. Allele origin: germline.

Women's Health and Genetics/Laboratory Corporation of America, LabCorp
Classification: Uncertain significance. Last evaluated: 2020-08-28. Review status: criteria provided, single submitter. Criteria: LabCorp Variant Classification Summary - May 2015. Collection method: clinical testing. Allele origin: germline.
Comment: Variant summary: DOCK3 c.4825C>T (p.Arg1609Trp) results in a non-conservative amino acid change located in the C-terminal domain (IPR010703) and DHR-2 domain (IPR027357) of the encoded protein sequence. Four of five in-silico tools predict a damaging effect of the variant on protein function. The variant allele was found at a frequency of 4e-06 in 249120 control chromosomes (gnomAD). The available data on variant occurrences in the general population are insufficient to allow any conclusion about variant significance. To our knowledge, no occurrence of c.4825C>T in individuals affected with Neurodevelopmental Disorder with Impaired Intellectual Development, Hypotonia, and Ataxia and no experimental evidence demonstrating its impact on protein function have been reported. No clinical diagnostic laboratories have submitted clinical-significance assessments for this variant to ClinVar after 2014. Based on the evidence outlined above, the variant was classified as uncertain significance.

NM_004947.5(DOCK3):c.4825C>T (p.Arg1609Trp)

Gene: DOCK3 (dedicator of cytokinesis 3; plus strand). Cytogenetic location: 3p21.2.
Variant type: single nucleotide variant.
Coding change: c.4825C>T on transcript NM_004947.5 (MANE Select); coding-DNA position 4825, C replaced by T.
Protein change: p.Arg1609Trp; replaces arginine 1609 with tryptophan.
Molecular consequence: missense variant.
Genome position (GRCh38, 1-based): chr3:51,358,018, C>T. VCF-style: chr3-51358018-C-T. GRCh37 (hg19) VCF-style: chr3-51395449-C-T.
Other names: short protein forms R1609W.
Identifiers: ClinVar variation 977730 (VCV000977730.2), dbSNP rs372827222, ClinGen allele CA2421850.